The following is an entry in ClinVar:

NM_002772.3(TMPRSS15):c.2653A>C (p.Lys885Gln)

Gene: TMPRSS15 (transmembrane serine protease 15; minus strand). Cytogenetic location: 21q21.1.
Variant type: single nucleotide variant.
Coding change: c.2653A>C on transcript NM_002772.3 (MANE Select); coding-DNA position 2653, A replaced by C.
Protein change: p.Lys885Gln; replaces lysine 885 with glutamine.
Molecular consequence: missense variant.
Genome position (GRCh38, 1-based): chr21:18,281,055, T>G on the plus strand (A>C on the coding strand, the complement: TMPRSS15 is on the minus strand). VCF-style: chr21-18281055-T-G. GRCh37 (hg19) VCF-style: chr21-19653372-T-G.
Other names: short protein forms K885Q.
Identifiers: ClinVar variation 2116072 (VCV002116072.4), dbSNP rs759340321, ClinGen allele CA9983984.

ClinVar aggregate classification (germline): Uncertain significance (1 of 4 stars; one submission).

Allele frequency attached by ClinVar (database versions not stated): TOPMed below 0.00001; ExAC 0.00001; gnomAD 0.00001.
gnomAD v4.1: 18 of 1,613,794 alleles (0.0011%); highest among the groups gnomAD compares: Non-Finnish European, 0.0015%; no homozygotes.

Submission:

Labcorp Genetics (formerly Invitae), Labcorp
Classification: Uncertain significance. Last evaluated: 2022-08-18. Review status: criteria provided, single submitter. Criteria: Invitae Variant Classification Sherloc (09022015). Collection method: clinical testing. Allele origin: germline.
Comment: This variant is present in population databases (rs759340321, gnomAD 0.0009%). In summary, the available evidence is currently insufficient to determine the role of this variant in disease. Therefore, it has been classified as a Variant of Uncertain Significance. Algorithms developed to predict the effect of missense changes on protein structure and function output the following: SIFT: "Not Available"; PolyPhen-2: "Benign"; Align-GVGD: "Not Available". The glutamine amino acid residue is found in multiple mammalian species, which suggests that this missense change does not adversely affect protein function. This variant has not been reported in the literature in individuals affected with TMPRSS15-related conditions. This sequence change replaces lysine, which is basic and polar, with glutamine, which is neutral and polar, at codon 885 of the TMPRSS15 protein (p.Lys885Gln).